The following is an entry in ClinVar:

ClinVar aggregate classification (germline): Conflicting classifications of pathogenicity. Review status: criteria provided, conflicting classifications (1 of 4 stars). 2 submissions from 2 submitters: Pathogenic (1); Uncertain significance (1). Last evaluated 2024-02-23.

Conditions:
RYR1-related disorder. Also called: RYR1-related condition; RYR1-related disorders. Identifiers: MedGen CN239331.

Submissions (2):

Revvity Omics, Revvity
Classification: Uncertain significance. Last evaluated: 2024-02-23. Review status: criteria provided, single submitter. Criteria: ACMG Guidelines, 2015. Collection method: clinical testing. Allele origin: germline.

Labcorp Genetics (formerly Invitae), Labcorp
Classification: Pathogenic for RYR1-related disorder. Last evaluated: 2023-03-23. Review status: criteria provided, single submitter. Criteria: Invitae Variant Classification Sherloc (09022015). Collection method: clinical testing. Allele origin: germline.
Comment: This sequence change replaces glycine, which is neutral and non-polar, with aspartic acid, which is acidic and polar, at codon 5006 of the RYR1 protein (p.Gly5006Asp). This variant is not present in population databases (gnomAD no frequency). This missense change has been observed in individual(s) with clinical features of autosomal dominant RYR1-related conditions (Invitae). It has also been observed to segregate with disease in related individuals. ClinVar contains an entry for this variant (Variation ID: 544378). Advanced modeling of protein sequence and biophysical properties (such as structural, functional, and spatial information, amino acid conservation, physicochemical variation, residue mobility, and thermodynamic stability) performed at Invitae indicates that this missense variant is expected to disrupt RYR1 protein function. This variant disrupts the p.Gly5006 amino acid residue in RYR1. Other variant(s) that disrupt this residue have been determined to be pathogenic (PMID: 27447704; Invitae). This suggests that this residue is clinically significant, and that variants that disrupt this residue are likely to be disease-causing. For these reasons, this variant has been classified as Pathogenic.

Literature cited by the submitters: PubMed 27447704 (cited by Labcorp Genetics (formerly Invitae), Labcorp).

NM_000540.3(RYR1):c.15017G>A (p.Gly5006Asp)

Gene: RYR1 (ryanodine receptor 1; plus strand). Cytogenetic location: 19q13.2.
Variant type: single nucleotide variant.
Coding change: c.15017G>A on transcript NM_000540.3 (MANE Select); coding-DNA position 15017, G replaced by A.
Protein change: p.Gly5006Asp; replaces glycine 5006 with aspartic acid.
Molecular consequence: missense variant.
Genome position (GRCh38, 1-based): chr19:38,586,572, G>A. VCF-style: chr19-38586572-G-A. GRCh37 (hg19) VCF-style: chr19-39077212-G-A.
Other names: c.15002G>A, p.Gly5001Asp (NM_001042723.2); short protein forms G5006D, G5001D.
Identifiers: ClinVar variation 544378 (VCV000544378.11), dbSNP rs1555805797, ClinGen allele CA405693846.
Genomic context (GRCh38, chr19:38,586,572, plus strand): 5'-CTCTCACCCTCAGGTTTTTCCTGATGTATTTGATAAACAAGGATGAGACAGAACACACGG[G>A]TCAGGTAAGGGGGTGTTAATGGGAGGACAGTGGGCAGGACGTGGAGCCCTTTAACATAAG-3'
Protein context (NP_000531.2, residues 4996-5016): LINKDETEHT[Gly5006Asp]QESYVWKMYQ